The following is an entry in ClinVar:

NM_182961.4(SYNE1):c.17990A>G (p.Glu5997Gly)

Gene: SYNE1 (spectrin repeat containing nuclear envelope protein 1; minus strand). Cytogenetic location: 6q25.2.
Variant type: single nucleotide variant.
Coding change: c.17990A>G on transcript NM_182961.4 (MANE Select); coding-DNA position 17990, A replaced by G.
Protein change: p.Glu5997Gly; replaces glutamic acid 5997 with glycine.
Molecular consequence: missense variant.
Genome position (GRCh38, 1-based): chr6:152,293,610, T>C on the plus strand (A>G on the coding strand, the complement: SYNE1 is on the minus strand). VCF-style: chr6-152293610-T-C. GRCh37 (hg19) VCF-style: chr6-152614745-T-C.
Other names: c.17777A>G, p.Glu5926Gly (NM_033071.5); short protein forms E5926G, E5997G.
Identifiers: ClinVar variation 471010 (VCV000471010.8), dbSNP rs1554363340, ClinGen allele CA366099792.

ClinVar aggregate classification (germline): Uncertain significance (1 of 4 stars; one submission).

Conditions:
Emery-Dreifuss muscular dystrophy 4, autosomal dominant (EDMD4). Also called: EMERY-DREIFUSS MUSCULAR DYSTROPHY 4 WITH VARIABLE FEATURES. Identifiers: Orphanet 261, MedGen C2751807, MONDO:0013071, OMIM 612998.
Autosomal recessive ataxia, Beauce type. Also called: SYNE1-Related Autosomal Recessive Cerebellar Ataxia; Spinocerebellar ataxia, autosomal recessive 8; ATAXIA, RECESSIVE, OF BEAUCE; SYNE1 Deficiency. Identifiers: Orphanet 88644, MedGen C1853116, MONDO:0012549, OMIM 610743.

Submission:

Labcorp Genetics (formerly Invitae), Labcorp
Classification: Uncertain significance for Emery-Dreifuss muscular dystrophy 4, autosomal dominant; Autosomal recessive ataxia, Beauce type. Last evaluated: 2017-06-05. Review status: criteria provided, single submitter. Criteria: Invitae Variant Classification Sherloc (09022015). Collection method: clinical testing. Allele origin: germline.
Comment: This variant has not been reported in the literature in individuals with a SYNE1-related disease. This variant is not present in population databases (ExAC no frequency). This sequence change replaces glutamic acid with glycine at codon 5926 of the SYNE1 protein (p.Glu5926Gly). The glutamic acid residue is highly conserved and there is a moderate physicochemical difference between glutamic acid and glycine. Algorithms developed to predict the effect of missense changes on protein structure and function (SIFT, PolyPhen-2, Align-GVGD) all suggest that this variant is likely to be disruptive, but these predictions have not been confirmed by published functional studies and their clinical significance is uncertain. In summary, this variant has uncertain impact on SYNE1 function. The available evidence is currently insufficient to determine its role in disease. Therefore, it has been classified as a Variant of Uncertain Significance.